The following is an entry in ClinVar:

ClinVar aggregate classification (germline): Uncertain significance (1 of 4 stars; one submission).

Conditions:
Hypertrophic cardiomyopathy. Also called: HYPERTROPHIC MYOCARDIOPATHY. Identifiers: Orphanet 217569, MedGen C0007194, MeSH D002312, MONDO:0005045, HP:0001639.

Submission:

Labcorp Genetics (formerly Invitae), Labcorp
Classification: Uncertain significance for Hypertrophic cardiomyopathy. Last evaluated: 2023-04-16. Review status: criteria provided, single submitter. Criteria: Invitae Variant Classification Sherloc (09022015). Collection method: clinical testing. Allele origin: germline.
Comment: In summary, the available evidence is currently insufficient to determine the role of this variant in disease. Therefore, it has been classified as a Variant of Uncertain Significance. Advanced modeling of protein sequence and biophysical properties (such as structural, functional, and spatial information, amino acid conservation, physicochemical variation, residue mobility, and thermodynamic stability) performed at Invitae indicates that this missense variant is expected to disrupt MYH7 protein function. ClinVar contains an entry for this variant (Variation ID: 582203). This missense change has been observed in individual(s) with congenital myopathy (Invitae). This variant is not present in population databases (gnomAD no frequency). This sequence change replaces leucine, which is neutral and non-polar, with proline, which is neutral and non-polar, at codon 1495 of the MYH7 protein (p.Leu1495Pro).

NM_000257.4(MYH7):c.4484T>C (p.Leu1495Pro)

Genes: MHRT (myosin heavy chain associated RNA transcript; plus strand), MYH7 (myosin heavy chain 7; minus strand). Cytogenetic location: 14q11.2.
Variant type: single nucleotide variant.
Coding change: c.4484T>C on transcript NM_000257.4 (MANE Select); coding-DNA position 4484, T replaced by C.
Protein change: p.Leu1495Pro; replaces leucine 1495 with proline.
Molecular consequence: missense variant.
Genome position (GRCh38, 1-based): chr14:23,417,188, A>G on the plus strand (T>C on the coding strand, the complement: MYH7 is on the minus strand). VCF-style: chr14-23417188-A-G. GRCh37 (hg19) VCF-style: chr14-23886397-A-G.
Other names: short protein forms L1495P.
Identifiers: ClinVar variation 582203 (VCV000582203.8), dbSNP rs1566525081, ClinGen allele CA389038313.
Genomic context (GRCh38, chr14:23,417,188, plus strand): 5'-CCAGCCTCTTGGGCCCCCAGCACACCCTGCAGGTTTTTGTTCTCCCGCTTGAAGGTCTCC[A>G]GATGTTCCAGGGACTCCTCATAGGCGTTCTTGAGTTTGAAGAGCTCTGTGCTGAGGGAGC-3'
Protein context (NP_000248.2, residues 1485-1505): KNAYEESLEH[Leu1495Pro]ETFKRENKNL